The following is an entry in ClinVar:

NM_001166108.2(PALLD):c.*33C>T

Genes: CBR4 (carbonyl reductase 4; minus strand), PALLD (palladin, cytoskeletal associated protein; plus strand). Cytogenetic location: 4q32.3.
Variant type: single nucleotide variant.
Coding change: c.*33C>T on transcript NM_001166108.2 (MANE Select); 33 bases downstream of the stop codon, C replaced by T.
Molecular consequence: 3 prime UTR variant. On other transcripts: missense variant (4).
Genome position (GRCh38, 1-based): chr4:168,926,213, C>T. VCF-style: chr4-168926213-C-T. GRCh37 (hg19) VCF-style: chr4-169847364-C-T.
Other names: c.2162C>T, p.Thr721Ile (NM_001166109.2); c.1847C>T, p.Thr616Ile (NM_001166110.2); c.*33C>T (NM_001367567.1, NM_001367570.1, NM_016081.4); c.1238C>T, p.Thr413Ile (NM_001367568.1); c.1187C>T, p.Thr396Ile (NM_001367569.1); c.1847C>T (NM_001166110.1); short protein forms T616I, T396I, T413I, T721I.
Identifiers: ClinVar variation 1376116 (VCV001376116.9), dbSNP rs569054006, ClinGen allele CA358715438.

ClinVar aggregate classification (germline): Uncertain significance. Review status: criteria provided, multiple submitters, no conflicts (2 of 4 stars). 2 submissions from 2 submitters: Uncertain significance (2). Last evaluated 2025-01-11.

Conditions:
Pancreatic adenocarcinoma. Identifiers: MedGen C0281361, MONDO:0006047, HP:0006725.

gnomAD v4.1: 6 of 1,527,184 alleles (0.00039%); highest among the groups gnomAD compares: Non-Finnish European, 0.00053%; no homozygotes.

Submissions (2):

Ambry Genetics
Classification: Uncertain significance. Last evaluated: 2025-01-11. Review status: criteria provided, single submitter. Criteria: Ambry Variant Classification Scheme 2023. Collection method: clinical testing. Allele origin: germline.
Comment: The p.T616I variant (also known as c.1847C>T) is located in coding exon 11 of the PALLD gene. The threonine at codon 616 is replaced by isoleucine, an amino acid with similar properties. This change occurs in the first base pair of coding exon 11. This amino acid position is conserved. In addition, the in silico prediction for this alteration is inconclusive. Based on the available evidence, the clinical significance of this variant remains unclear.

Labcorp Genetics (formerly Invitae), Labcorp
Classification: Uncertain significance for Pancreatic adenocarcinoma. Last evaluated: 2021-02-27. Review status: criteria provided, single submitter. Criteria: Invitae Variant Classification Sherloc (09022015). Collection method: clinical testing. Allele origin: germline.
Comment: This sequence change replaces threonine with isoleucine at codon 616 of the PALLD protein (p.Thr616Ile). The threonine residue is weakly conserved and there is a moderate physicochemical difference between threonine and isoleucine. This variant is not present in population databases (ExAC no frequency). This variant has not been reported in the literature in individuals with PALLD-related conditions. Algorithms developed to predict the effect of missense changes on protein structure and function (SIFT, PolyPhen-2, Align-GVGD) all suggest that this variant is likely to be tolerated, but these predictions have not been confirmed by published functional studies and their clinical significance is uncertain. In summary, the available evidence is currently insufficient to determine the role of this variant in disease. Therefore, it has been classified as a Variant of Uncertain Significance.